The following is an entry in ClinVar:

ClinVar aggregate classification (germline): Uncertain significance (0 of 4 stars; one submission).

Submission:

Department of Pathology and Laboratory Medicine, Sinai Health System
Classification: Uncertain significance. Review status: no assertion criteria provided. Collection method: clinical testing. Allele origin: unknown. Affected: yes. Study: The Canadian Open Genetics Repository (COGR).
Comment: The NCAPG2 p.Val1101* variant was not identified in the literature nor was it identified in ClinVar or LOVD 3.0. The variant was identified in dbSNP (ID: rs772649511) and in control databases in 5 of 249490 chromosomes at a frequency of 0.00002004 (Genome Aggregation Database March 6, 2019, v2.1.1). The variant was observed in the European (non-Finnish) population in 5 of 113230 chromosomes (freq: 0.000044), but was not observed in the African, Latino, Ashkenazi Jewish, East Asian, European (Finnish), Other, or South Asian populations. The c.3300del variant leads to a premature stop codon at position 1101, however this is located in the penultimate exon and it is unclear how this would affect protein function. Further, there is currently no strong evidence indicating that loss of function variants of the NCAPG2 gene are an established mechanism of disease in Khan-Khan-Katsanis syndrome. The variant occurs outside of the splicing consensus sequence and in silico or computational prediction software programs (SpliceSiteFinder, MaxEntScan, NNSPLICE, GeneSplicer) do not predict a difference in splicing. In summary, based on the above information the clinical significance of this variant cannot be determined with certainty at this time. This variant is classified as a variant of uncertain significance.

NM_017760.7(NCAPG2):c.3300del (p.Lys1100_Val1101insTer)

Gene: NCAPG2 (non-SMC condensin II complex subunit G2; minus strand). Cytogenetic location: 7q36.3.
Variant type: Deletion.
Coding change: c.3300del on transcript NM_017760.7 (MANE Select); coding-DNA position 3300, one base deleted (A; older notation c.3300delA).
Protein change: p.Lys1100_Val1101insTer.
Molecular consequence: frameshift variant. On other transcripts: non-coding transcript variant (1).
Genome position (GRCh38, 1-based): chr7:158,644,369, T deleted on the plus strand (A on the coding strand, the reverse complement: NCAPG2 is on the minus strand); the first of 4 consecutive T bases (chr7:158,644,369-158,644,372); deleting any one gives the same sequence. VCF-style (leftmost placement, unchanged base first): chr7-158644368-CT-C. GRCh37 (hg19) VCF-style: chr7-158437060-CT-C.
Other names: c.3300del, p.Lys1100_Val1101insTer (NM_001281932.2, NM_001281933.2).
Identifiers: ClinVar variation 1050712 (VCV001050712.1), dbSNP rs772649511, ClinGen allele CA4592316.